The following is an entry in ClinVar:

ClinVar aggregate classification (germline): Uncertain significance (1 of 4 stars; one submission).

Submission:

GeneDx
Classification: Uncertain significance. Last evaluated: 2023-06-16. Review status: criteria provided, single submitter. Criteria: GeneDx Variant Classification Process June 2021. Collection method: clinical testing. Allele origin: germline. Affected: yes.
Comment: Not observed at significant frequency in large population cohorts (gnomAD); In silico analysis supports that this missense variant has a deleterious effect on protein structure/function; Has not been previously published as pathogenic or benign to our knowledge

NM_003024.3(ITSN1):c.923T>C (p.Phe308Ser)

Gene: ITSN1 (intersectin 1; plus strand). Cytogenetic location: 21q22.11.
Variant type: single nucleotide variant.
Coding change: c.923T>C on transcript NM_003024.3 (MANE Select); coding-DNA position 923, T replaced by C.
Protein change: p.Phe308Ser; replaces phenylalanine 308 with serine.
Molecular consequence: missense variant.
Genome position (GRCh38, 1-based): chr21:33,766,009, T>C. VCF-style: chr21-33766009-T-C. GRCh37 (hg19) VCF-style: chr21-35138313-T-C.
Other names: c.923T>C, p.Phe308Ser (NM_001001132.2, NM_001331008.2, NM_001331009.2 and 2 more transcripts); c.812T>C, p.Phe271Ser (NM_001331012.2); short protein forms F271S, F308S.
Identifiers: ClinVar variation 3359957 (VCV003359957.1).